The following is an entry in ClinVar:

ClinVar aggregate classification (germline): Uncertain significance (1 of 4 stars; one submission).

Allele frequency attached by ClinVar (database versions not stated): gnomAD 0.00004; TOPMed 0.00004; ExAC 0.00006.
gnomAD v4.1: 73 of 1,613,218 alleles (0.0045%); highest among the groups gnomAD compares: South Asian, 0.038%; no homozygotes.

Submission:

Labcorp Genetics (formerly Invitae), Labcorp
Classification: Uncertain significance. Last evaluated: 2024-07-31. Review status: criteria provided, single submitter. Criteria: Invitae Variant Classification Sherloc (09022015). Collection method: clinical testing. Allele origin: germline.
Comment: This sequence change replaces glutamic acid, which is acidic and polar, with lysine, which is basic and polar, at codon 484 of the PDE6B protein (p.Glu484Lys). This variant is present in population databases (rs749225833, gnomAD 0.04%). This variant has not been reported in the literature in individuals affected with PDE6B-related conditions. ClinVar contains an entry for this variant (Variation ID: 1899823). Advanced modeling of protein sequence and biophysical properties (such as structural, functional, and spatial information, amino acid conservation, physicochemical variation, residue mobility, and thermodynamic stability) has been performed at Invitae for this missense variant, however the output from this modeling did not meet the statistical confidence thresholds required to predict the impact of this variant on PDE6B protein function. In summary, the available evidence is currently insufficient to determine the role of this variant in disease. Therefore, it has been classified as a Variant of Uncertain Significance.

NM_000283.4(PDE6B):c.1450G>A (p.Glu484Lys)

Gene: PDE6B (phosphodiesterase 6B; plus strand). Cytogenetic location: 4p16.3.
Variant type: single nucleotide variant.
Coding change: c.1450G>A on transcript NM_000283.4 (MANE Select); coding-DNA position 1450, G replaced by A.
Protein change: p.Glu484Lys; replaces glutamic acid 484 with lysine.
Molecular consequence: missense variant.
Genome position (GRCh38, 1-based): chr4:659,000, G>A. VCF-style: chr4-659000-G-A. GRCh37 (hg19) VCF-style: chr4-652789-G-A.
Other names: c.1450G>A, p.Glu484Lys (NM_001145291.2); c.613G>A, p.Glu205Lys (NM_001145292.2, NM_001350154.3, NM_001379246.1 and 1 more transcripts); c.295G>A, p.Glu99Lys (NM_001350155.3); short protein forms E205K, E484K, E99K.
Identifiers: ClinVar variation 1899823 (VCV001899823.5), dbSNP rs749225833, ClinGen allele CA2794527.
Genomic context (GRCh38, chr4:659,000, plus strand): 5'-GTCTCTGTGTAGCCAACCAGAGCGCGCCTGGGGAAGGAGCCTGCTGACTGCGATGAGGAC[G>A]AGCTGGGCGAAATCCTGGTAAGAACCTTGCTCCCGTCCCTCCCATGGAGGCCGGCCACGT-3'
Protein context (NP_000274.3, residues 474-494): GKEPADCDED[Glu484Lys]LGEILKEELP